The following is an entry in ClinVar:

ClinVar aggregate classification (germline): Pathogenic. Review status: criteria provided, multiple submitters, no conflicts (2 of 4 stars). 2 submissions from 2 submitters: Pathogenic (2). Last evaluated 2024-04-15.

Conditions:
Kartagener syndrome (CILD1). Also called: CILIARY DYSKINESIA, PRIMARY, 1; Dextrocardia bronchiectasis and sinusitis; SIEWERT SYNDROME; CILIARY DYSKINESIA, PRIMARY, 1, WITH OR WITHOUT SITUS INVERSUS; IMMOTILE CILIA SYNDROME; POLYNESIAN BRONCHIECTASIS. Identifiers: Orphanet 244, MedGen C4551906, MONDO:0009484, OMIM 244400.
Primary ciliary dyskinesia. Also called: Ciliary dyskinesia. Identifiers: Orphanet 244, MedGen C0008780, MONDO:0016575, HP:0012265.

Submissions (2):

Myriad Genetics, Inc.
Classification: Pathogenic for Kartagener syndrome. Last evaluated: 2024-04-15. Review status: criteria provided, single submitter. Criteria: Myriad Autosomal Dominant, Autosomal Recessive and X-Linked Classification Criteria (2023). Collection method: clinical testing. Allele origin: unknown.
Comment: NM_012144.2(DNAI1):c.264delA(G89Afs*9) is expected to be pathogenic in the context of primary ciliary dyskinesia, DNAI1-related. This variant is predicted to lead to an abnormal or absent protein product due to the creation of a premature termination codon in DNAI1, a gene where loss-of-function variants are known to be pathogenic. Please note: this variant was assessed in the context of healthy population screening.

Labcorp Genetics (formerly Invitae), Labcorp
Classification: Pathogenic for Primary ciliary dyskinesia. Last evaluated: 2021-09-04. Review status: criteria provided, single submitter. Criteria: Invitae Variant Classification Sherloc (09022015). Collection method: clinical testing. Allele origin: germline.
Comment: This variant has not been reported in the literature in individuals affected with DNAI1-related conditions. This sequence change creates a premature translational stop signal (p.Gly89Alafs*9) in the DNAI1 gene. It is expected to result in an absent or disrupted protein product. Loss-of-function variants in DNAI1 are known to be pathogenic (PMID: 16858015, 29363216). This variant is not present in population databases (ExAC no frequency). For these reasons, this variant has been classified as Pathogenic.

Literature cited by the submitters: PubMed 16858015 (cited by Labcorp Genetics (formerly Invitae), Labcorp); PubMed 29363216 (cited by Labcorp Genetics (formerly Invitae), Labcorp).

NM_012144.4(DNAI1):c.264del (p.Gly89fs)

Gene: DNAI1 (dynein axonemal intermediate chain 1; plus strand). Cytogenetic location: 9p13.3.
Variant type: Deletion.
Coding change: c.264del on transcript NM_012144.4 (MANE Select); coding-DNA position 264, one base deleted (A; older notation c.264delA).
Protein change: p.Gly89fs; shifts the reading frame from glycine 89.
Molecular consequence: frameshift variant.
Genome position (GRCh38, 1-based): chr9:34,489,325, A deleted; the last of 2 consecutive A bases (chr9:34,489,324-34,489,325); deleting either gives the same sequence. VCF-style (leftmost placement, unchanged base first): chr9-34489323-GA-G. GRCh37 (hg19) VCF-style: chr9-34489321-GA-G.
Other names: c.264del, p.Gly89fs (NM_001281428.2); short protein forms G89fs.
Identifiers: ClinVar variation 1365696 (VCV001365696.7), dbSNP rs2132060982, ClinGen allele CA2573144568.
Genomic context (GRCh38, chr9:34,489,323, plus strand): 5'-TACATTTTGACTCCAGCTCTTTTAGGGATCCCTGGTCTGACTCAGCCCCTCTCTTCTTAG[GA>G]AGGCACATATAAGCCTATTGGCTTTGTGAACCAACTGGCAGTTCACTACACCCAGGTTGG-3'